The following is an entry in ClinVar:

NM_014806.5(RUSC2):c.235C>T (p.Arg79Trp)

Gene: RUSC2 (RUN and SH3 domain containing 2; plus strand). Cytogenetic location: 9p13.3.
Variant type: single nucleotide variant.
Coding change: c.235C>T on transcript NM_014806.5 (MANE Select); coding-DNA position 235, C replaced by T.
Protein change: p.Arg79Trp; replaces arginine 79 with tryptophan.
Molecular consequence: missense variant. On other transcripts: non-coding transcript variant (1), intron variant (1).
Genome position (GRCh38, 1-based): chr9:35,546,756, C>T. VCF-style: chr9-35546756-C-T. GRCh37 (hg19) VCF-style: chr9-35546753-C-T.
Other names: c.235C>T, p.Arg79Trp (NM_001135999.2); c.-620-8304C>T (NM_001330740.2); short protein forms R79W.
Identifiers: ClinVar variation 1924032 (VCV001924032.3), dbSNP rs754086910, ClinGen allele CA5043421.

ClinVar aggregate classification (germline): Uncertain significance (1 of 4 stars; one submission).

Allele frequency attached by ClinVar (database versions not stated): ExAC 0.00001; gnomAD exomes 0.00001; gnomAD 0.00002.

Submission:

Labcorp Genetics (formerly Invitae), Labcorp
Classification: Uncertain significance. Last evaluated: 2022-07-24. Review status: criteria provided, single submitter. Criteria: Invitae Variant Classification Sherloc (09022015). Collection method: clinical testing. Allele origin: germline.
Comment: This sequence change replaces arginine, which is basic and polar, with tryptophan, which is neutral and slightly polar, at codon 79 of the RUSC2 protein (p.Arg79Trp). The frequency data for this variant in the population databases is considered unreliable, as metrics indicate poor data quality at this position in the gnomAD database. This variant has not been reported in the literature in individuals affected with RUSC2-related conditions. Algorithms developed to predict the effect of missense changes on protein structure and function are either unavailable or do not agree on the potential impact of this missense change (SIFT: "Deleterious"; PolyPhen-2: "Benign"; Align-GVGD: "Class C0"). In summary, the available evidence is currently insufficient to determine the role of this variant in disease. Therefore, it has been classified as a Variant of Uncertain Significance.